The following is an entry in ClinVar:

ClinVar aggregate classification (germline): Likely benign. Review status: criteria provided, multiple submitters, no conflicts (2 of 4 stars). 2 submissions from 2 submitters: Likely benign (2). Last evaluated 2025-12-15.

Conditions:
TIMP3-related disorder. Also called: TIMP3-related condition.

Allele frequency attached by ClinVar (database versions not stated): gnomAD exomes 0.00001 and 0.00002; ExAC 0.00002; ESP Exome Variant Server 0.00015; gnomAD 0.00015 and 0.00018; TOPMed 0.00017.
gnomAD v4.1: 40 of 1,614,186 alleles (0.0025%); highest among the groups gnomAD compares: African/African-American, 0.036%; no homozygotes.

Submissions (2):

PreventionGenetics, part of Exact Sciences
Classification: Likely benign for TIMP3-related condition. Last evaluated: 2025-12-15. Review status: criteria provided, single submitter. Criteria: ACMG Guidelines, 2015. Collection method: clinical testing. Allele origin: germline.
Comment: This variant is classified as likely benign based on ACMG/AMP sequence variant interpretation guidelines (Richards et al. 2015 PMID: 25741868, with internal and published modifications).

Labcorp Genetics (formerly Invitae), Labcorp
Classification: Likely benign. Last evaluated: 2024-12-02. Review status: criteria provided, single submitter. Criteria: Invitae Variant Classification Sherloc (09022015). Collection method: clinical testing. Allele origin: germline.

NM_000362.5(TIMP3):c.396C>T (p.Arg132=)

Genes: SYN3 (synapsin III; minus strand), TIMP3 (TIMP metallopeptidase inhibitor 3; plus strand). Cytogenetic location: 22q12.3.
Variant type: single nucleotide variant.
Coding change: c.396C>T on transcript NM_000362.5 (MANE Select); coding-DNA position 396, C replaced by T.
Protein change: p.Arg132=; no amino-acid change (arginine 132 retained).
Molecular consequence: synonymous variant. On other transcripts: intron variant (7).
Genome position (GRCh38, 1-based): chr22:32,858,096, C>T. VCF-style: chr22-32858096-C-T. GRCh37 (hg19) VCF-style: chr22-33254083-C-T.
Other names: c.708+6819G>A (NM_001369909.1, NM_001135774.2, NM_001369910.1); c.711+6819G>A (NM_001369907.1, NM_003490.4, NM_001369908.1 and 1 more transcripts).
Identifiers: ClinVar variation 854976 (VCV000854976.8), dbSNP rs372535191, ClinGen allele CA10202246.